The following is an entry in ClinVar:

NM_181552.4(CUX1):c.2825A>T (p.Glu942Val)

Gene: CUX1 (cut like homeobox 1; plus strand). Cytogenetic location: 7q22.1.
Variant type: single nucleotide variant.
Coding change: c.2825A>T on transcript NM_181552.4 (MANE Select); coding-DNA position 2825, A replaced by T.
Protein change: p.Glu942Val; replaces glutamic acid 942 with valine.
Molecular consequence: missense variant. On other transcripts: intron variant (5).
Genome position (GRCh38, 1-based): chr7:102,202,122, A>T. VCF-style: chr7-102202122-A-T. GRCh37 (hg19) VCF-style: chr7-101845402-A-T.
Other names: c.2858A>T, p.Glu953Val (NM_001202543.2); c.1255+6519A>T (NM_001913.5); c.1249+6519A>T (NM_181500.4); c.1117+6519A>T (NM_001202545.3); c.1207+6519A>T (NM_001202544.3); c.1138+6519A>T (NM_001202546.3); short protein forms E942V, E953V.
Identifiers: ClinVar variation 2507365 (VCV002507365.1), dbSNP rs1795514642, ClinGen allele CA368685759.
Genomic context (GRCh38, chr7:102,202,122, plus strand): 5'-CCACCAAGCCCTCGGTCCCCCCGCTGACCCCCGAGCAGTACGAGGTCTACATGTACCAGG[A>T]GGTGGACACCATCGAGCTCACCCGGCAGGTTAAGGAAAAGCTGGCCAAGAACGGCATCTG-3'
Protein context (NP_853530.2, residues 932-952): PEQYEVYMYQ[Glu942Val]VDTIELTRQV

ClinVar aggregate classification (germline): Uncertain significance (1 of 4 stars; one submission).

Allele frequency attached by ClinVar (database versions not stated): TOPMed below 0.00001; gnomAD exomes 0.00001.

Submission:

GeneDx
Classification: Uncertain significance. Last evaluated: 2023-01-03. Review status: criteria provided, single submitter. Criteria: GeneDx Variant Classification Process June 2021. Collection method: clinical testing. Allele origin: germline. Affected: yes.
Comment: Not observed at significant frequency in large population cohorts (gnomAD); In silico analysis supports that this missense variant has a deleterious effect on protein structure/function; Has not been previously published as pathogenic or benign to our knowledge